The following is an entry in ClinVar:

NM_003922.4(HERC1):c.3021+6C>T

Gene: HERC1 (HECT and RLD domain containing E3 ubiquitin protein ligase family member 1; minus strand). Cytogenetic location: 15q22.31.
Variant type: single nucleotide variant.
Coding change: c.3021+6C>T on transcript NM_003922.4 (MANE Select); 6 bases into the intron after coding-DNA position 3021, C replaced by T.
Molecular consequence: intron variant.
Genome position (GRCh38, 1-based): chr15:63,729,491, G>A on the plus strand (C>T on the coding strand, the complement: HERC1 is on the minus strand). VCF-style: chr15-63729491-G-A. GRCh37 (hg19) VCF-style: chr15-64021690-G-A.
Identifiers: ClinVar variation 547868 (VCV000547868.7), dbSNP rs368315540, ClinGen allele CA7606155.

ClinVar aggregate classification (germline): Uncertain significance. Review status: criteria provided, single submitter (1 of 4 stars). 2 submissions from 2 submitters: Uncertain significance (1). 1 of the submissions does not count toward it. Last evaluated 2016-09-12.

Conditions:
Macrocephaly, dysmorphic facies, and psychomotor retardation (MDFPMR). Identifiers: Orphanet 457359, MedGen C4310766, MONDO:0014863, OMIM 617011.
HERC1-related disorder. Also called: HERC1-related condition.

Allele frequency attached by ClinVar (database versions not stated): ExAC 0.00002; gnomAD exomes 0.00002 and 0.00003; gnomAD 0.00006; TOPMed 0.00006; ESP Exome Variant Server 0.00008.
gnomAD v4.1: 52 of 1,611,406 alleles (0.0032%); highest among the groups gnomAD compares: African/African-American, 0.013%; no homozygotes.

Submissions (2):

Mayo Clinic Laboratories, Mayo Clinic
Classification: Uncertain significance for Macrocephaly, dysmorphic facies, and psychomotor retardation. Last evaluated: 2016-09-12. Review status: criteria provided, single submitter. Criteria: ACMG Guidelines, 2015. Collection method: clinical testing. Allele origin: paternal.

PreventionGenetics, part of Exact Sciences
Classification: Likely benign for HERC1-related condition. Last evaluated: 2023-07-20. Review status: no assertion criteria provided. Collection method: clinical testing. Allele origin: germline. Not counted in ClinVar's aggregate classification.
Comment: This variant is classified as likely benign based on ACMG/AMP sequence variant interpretation guidelines (Richards et al. 2015 PMID: 25741868, with internal and published modifications).